The following is an entry in ClinVar:

ClinVar aggregate classification (germline): Uncertain significance. Review status: criteria provided, single submitter (1 of 4 stars). 2 submissions from 2 submitters: Uncertain significance (1). 1 of the submissions does not count toward it. Last evaluated 2025-09-10.

Conditions:
UCP3-related disorder. Also called: UCP3-related condition.

Allele frequency attached by ClinVar (database versions not stated): ESP Exome Variant Server 0.00008; gnomAD exomes 0.00008; gnomAD 0.00009; TOPMed 0.00009; ExAC 0.00012; 1000 Genomes Project 30x 0.00016; 1000 Genomes Project 0.00020.

Submissions (2):

Labcorp Genetics (formerly Invitae), Labcorp
Classification: Uncertain significance. Last evaluated: 2025-09-10. Review status: criteria provided, single submitter. Criteria: Invitae Variant Classification Sherloc (09022015). Collection method: clinical testing. Allele origin: germline.
Comment: This sequence change replaces arginine, which is basic and polar, with cysteine, which is neutral and slightly polar, at codon 282 of the UCP3 protein (p.Arg282Cys). This variant is present in population databases (rs8179179, gnomAD 0.2%), and has an allele count higher than expected for a pathogenic variant. This missense change has been observed in individual(s) with obesity (PMID: 10480626). ClinVar contains an entry for this variant (Variation ID: 2181152). Invitae Evidence Modeling of protein sequence and biophysical properties (such as structural, functional, and spatial information, amino acid conservation, physicochemical variation, residue mobility, and thermodynamic stability) indicates that this missense variant is expected to disrupt UCP3 protein function with a positive predictive value of 80%. Experimental studies have shown that this missense change affects UCP3 function (PMID: 10431807). In summary, the available evidence is currently insufficient to determine the role of this variant in disease. Therefore, it has been classified as a Variant of Uncertain Significance.

PreventionGenetics, part of Exact Sciences
Classification: Uncertain significance for UCP3-related condition. Last evaluated: 2024-06-06. Review status: no assertion criteria provided. Collection method: clinical testing. Allele origin: germline. Not counted in ClinVar's aggregate classification.
Comment: The UCP3 c.844C>T variant is predicted to result in the amino acid substitution p.Arg282Cys. This variant has been reported in both lean and obese individuals in an obesity study (Chung et al. 1999. PubMed ID: 10480626). The functional study showed that this variant affects UCP3 function (Hagen et al. 1999. PubMed ID: 10431807). This variant is reported in 0.14% of alleles in individuals of Ashkenazi Jewish descent in gnomAD. At this time, the clinical significance of this variant is uncertain due to the absence of conclusive functional and genetic evidence.

Literature cited by the submitters: PubMed 10480626 (cited by Labcorp Genetics (formerly Invitae), Labcorp); PubMed 10431807 (cited by Labcorp Genetics (formerly Invitae), Labcorp).

NM_003356.4(UCP3):c.844C>T (p.Arg282Cys)

Gene: UCP3 (uncoupling protein 3; minus strand). Cytogenetic location: 11q13.4.
Variant type: single nucleotide variant.
Coding change: c.844C>T on transcript NM_003356.4 (MANE Select); coding-DNA position 844, C replaced by T.
Protein change: p.Arg282Cys; replaces arginine 282 with cysteine.
Molecular consequence: missense variant.
Genome position (GRCh38, 1-based): chr11:74,001,507, G>A on the plus strand (C>T on the coding strand, the complement: UCP3 is on the minus strand). VCF-style: chr11-74001507-G-A. GRCh37 (hg19) VCF-style: chr11-73712552-G-A.
Other names: c.844C>T (NM_003356.3); short protein forms R282C.
Identifiers: ClinVar variation 2181152 (VCV002181152.5), dbSNP rs8179179, ClinGen allele CA6181329.